The following is an entry in ClinVar:

ClinVar aggregate classification (germline): Uncertain significance (1 of 4 stars; one submission).

Submission:

Ambry Genetics
Classification: Uncertain significance. Last evaluated: 2025-09-16. Review status: criteria provided, single submitter. Criteria: Ambry Variant Classification Scheme 2023. Collection method: clinical testing. Allele origin: germline.
Comment: The p.Q905P variant (also known as c.2714A>C), located in coding exon 11 of the WNK2 gene, results from an A to C substitution at nucleotide position 2714. The glutamine at codon 905 is replaced by proline, an amino acid with similar properties. This amino acid position is conserved. In addition, this alteration is predicted to be deleterious by in silico analysis. Based on the available evidence, the clinical significance of this variant remains unclear.

NM_006648.4(WNK2):c.2714A>C (p.Gln905Pro)

Gene: WNK2 (WNK lysine deficient protein kinase 2; plus strand). Cytogenetic location: 9q22.31.
Variant type: single nucleotide variant.
Coding change: c.2714A>C on transcript NM_006648.4 (MANE Select); coding-DNA position 2714, A replaced by C.
Protein change: p.Gln905Pro; replaces glutamine 905 with proline.
Molecular consequence: missense variant.
Genome position (GRCh38, 1-based): chr9:93,259,262, A>C. VCF-style: chr9-93259262-A-C. GRCh37 (hg19) VCF-style: chr9-96021544-A-C.
Other names: c.2714A>C, p.Gln905Pro (NM_001282394.3); short protein forms Q905P.
Identifiers: ClinVar variation 4605161 (VCV004605161.1).